The following is an entry in ClinVar:

NM_001012301.4(ARSI):c.1302C>T (p.Gly434=)

Gene: ARSI (arylsulfatase family member I; minus strand). Cytogenetic location: 5q32.
Variant type: single nucleotide variant.
Coding change: c.1302C>T on transcript NM_001012301.4 (MANE Select); coding-DNA position 1302, C replaced by T.
Protein change: p.Gly434=; no amino-acid change (glycine 434 retained).
Molecular consequence: synonymous variant.
Genome position (GRCh38, 1-based): chr5:150,297,622, G>A on the plus strand (C>T on the coding strand, the complement: ARSI is on the minus strand). VCF-style: chr5-150297622-G-A. GRCh37 (hg19) VCF-style: chr5-149677185-G-A.
Other names: c.1302C>T (NM_001012301.3).
Identifiers: ClinVar variation 706096 (VCV000706096.5), dbSNP rs144550163, ClinGen allele CA3510119.

ClinVar aggregate classification (germline): Likely benign. Review status: criteria provided, single submitter (1 of 4 stars). 2 submissions from 2 submitters: Likely benign (1). 1 of the submissions does not count toward it. Last evaluated 2018-04-10.

Conditions:
ARSI-related disorder. Also called: ARSI-related condition.

Allele frequency attached by ClinVar (database versions not stated): gnomAD exomes 0.00014; ExAC 0.00019; 1000 Genomes Project 0.00040; ESP Exome Variant Server 0.00046; gnomAD 0.00052 and 0.00056; TOPMed 0.00052; 1000 Genomes Project 30x 0.00062.
gnomAD v4.1: 143 of 1,611,106 alleles (0.0089%); highest among the groups gnomAD compares: African/African-American, 0.16%; 1 homozygote.

Submissions (2):

Labcorp Genetics (formerly Invitae), Labcorp
Classification: Likely benign. Last evaluated: 2018-04-10. Review status: criteria provided, single submitter. Criteria: Invitae Variant Classification Sherloc (09022015). Collection method: clinical testing. Allele origin: germline.

PreventionGenetics, part of Exact Sciences
Classification: Likely benign for ARSI-related condition. Last evaluated: 2022-08-10. Review status: no assertion criteria provided. Collection method: clinical testing. Allele origin: germline. Not counted in ClinVar's aggregate classification.
Comment: This variant is classified as likely benign based on ACMG/AMP sequence variant interpretation guidelines (Richards et al. 2015 PMID: 25741868, with internal and published modifications).